The following is an entry in ClinVar:

NM_000090.4(COL3A1):c.3255+1G>C

Gene: COL3A1 (collagen type III alpha 1 chain; plus strand). Cytogenetic location: 2q32.2.
Variant type: single nucleotide variant.
Coding change: c.3255+1G>C on transcript NM_000090.4 (MANE Select); the canonical splice donor site of the intron after coding-DNA position 3255, G replaced by C.
Molecular consequence: splice donor variant.
Genome position (GRCh38, 1-based): chr2:189,006,991, G>C. VCF-style: chr2-189006991-G-C. GRCh37 (hg19) VCF-style: chr2-189871717-G-C.
Identifiers: ClinVar variation 651201 (VCV000651201.7), dbSNP rs587779480, ClinGen allele CA349845323.

ClinVar aggregate classification (germline): Pathogenic (1 of 4 stars; one submission).

Conditions:
Ehlers-Danlos syndrome, type 4 (EDSVASC). Also called: Ehlers-Danlos syndrome vascular type; Ehlers Danlos syndrome, ecchymotic type; Ehlers Danlos syndrome, arterial type; Ehlers Danlos syndrome, Sack-Barabas type; Ehlers-Danlos Syndrome Type IV. Identifiers: Orphanet 286, MedGen C0268338, MONDO:0017314, OMIM 130050.

Submission:

Labcorp Genetics (formerly Invitae), Labcorp
Classification: Pathogenic for Ehlers-Danlos syndrome, type 4. Last evaluated: 2021-07-29. Review status: criteria provided, single submitter. Criteria: Invitae Variant Classification Sherloc (09022015). Collection method: clinical testing. Allele origin: germline.
Comment: ClinVar contains an entry for this variant (Variation ID: 651201). For these reasons, this variant has been classified as Pathogenic. Algorithms developed to predict the effect of sequence changes on RNA splicing suggest that this variant may disrupt the consensus splice site. Disruption of this splice site has been observed in individuals with Ehlers-Danlos syndrome (EDS), vascular type (PMID: 8881656, 9399899; Invitae). This variant is not present in population databases (ExAC no frequency). This sequence change affects a donor splice site in intron 44 of the COL3A1 gene. It is expected to disrupt RNA splicing. Variants that disrupt the donor or acceptor splice site typically lead to a loss of protein function (PMID: 16199547), and loss-of-function variants in COL3A1 are known to be pathogenic (PMID: 24922459).

Literature cited by the submitters: PubMed 8881656; PubMed 9399899; PubMed 16199547; PubMed 24922459.